The following is an entry in ClinVar:

NM_201550.4(LRRC10):c.704G>A (p.Arg235His)

Gene: LRRC10 (leucine rich repeat containing 10; minus strand). Cytogenetic location: 12q15.
Variant type: single nucleotide variant.
Coding change: c.704G>A on transcript NM_201550.4 (MANE Select); coding-DNA position 704, G replaced by A.
Protein change: p.Arg235His; replaces arginine 235 with histidine.
Molecular consequence: missense variant.
Genome position (GRCh38, 1-based): chr12:69,610,135, C>T on the plus strand (G>A on the coding strand, the complement: LRRC10 is on the minus strand). VCF-style: chr12-69610135-C-T. GRCh37 (hg19) VCF-style: chr12-70003915-C-T.
Other names: c.704G>A (NM_201550.2); short protein forms R235H.
Identifiers: ClinVar variation 970786 (VCV000970786.9), dbSNP rs538939242, ClinGen allele CA6681014.

ClinVar aggregate classification (germline): Uncertain significance. Review status: criteria provided, multiple submitters, no conflicts (2 of 4 stars). 2 submissions from 2 submitters: Uncertain significance (2). Last evaluated 2025-12-01.

Allele frequency attached by ClinVar (database versions not stated): 1000 Genomes Project 0.00020; 1000 Genomes Project 30x 0.00016; gnomAD exomes 0.00007; TOPMed 0.00004; ExAC 0.00005.
gnomAD v4.1: 27 of 1,614,236 alleles (0.0017%); highest among the groups gnomAD compares: Admixed American, 0.023%; no homozygotes.

Submissions (2):

Labcorp Genetics (formerly Invitae), Labcorp
Classification: Uncertain significance. Last evaluated: 2025-12-01. Review status: criteria provided, single submitter. Criteria: Invitae Variant Classification Sherloc (09022015). Collection method: clinical testing. Allele origin: germline.
Comment: This sequence change replaces arginine, which is basic and polar, with histidine, which is basic and polar, at codon 235 of the LRRC10 protein (p.Arg235His). This variant is present in population databases (rs538939242, gnomAD 0.04%), and has an allele count higher than expected for a pathogenic variant. This variant has not been reported in the literature in individuals affected with LRRC10-related conditions. ClinVar contains an entry for this variant (Variation ID: 970786). An algorithm developed to predict the effect of missense changes on protein structure and function outputs the following: PolyPhen-2: "Benign". The histidine amino acid residue is found in multiple mammalian species, which suggests that this missense change does not adversely affect protein function. In summary, the available evidence is currently insufficient to determine the role of this variant in disease. Therefore, it has been classified as a Variant of Uncertain Significance.

Ambry Genetics
Classification: Uncertain significance. Last evaluated: 2025-02-26. Review status: criteria provided, single submitter. Criteria: Ambry Variant Classification Scheme 2023. Collection method: clinical testing. Allele origin: germline.